The following is an entry in ClinVar:

NM_172245.4(CSF2RA):c.1027G>T (p.Gly343Cys)

Gene: CSF2RA (colony stimulating factor 2 receptor subunit alpha; plus strand). Cytogenetic location: Xp22.33.
Variant type: single nucleotide variant.
Coding change: c.1027G>T on transcript NM_172245.4 (MANE Select); coding-DNA position 1027, G replaced by T.
Protein change: p.Gly343Cys; replaces glycine 343 with cysteine.
Molecular consequence: missense variant. On other transcripts: intron variant (7), non-coding transcript variant (1).
Genome position (GRCh38, 1-based): chrX:1,304,003, G>T. VCF-style: chrX-1304003-G-T. GRCh37 (hg19) VCF-style: chrX-1422896-G-T.
Other names: c.1027G>T, p.Gly343Cys (NM_001161529.2, NM_001161531.2, NM_001379155.1 and 9 more transcripts); c.1129G>T, p.Gly377Cys (NM_001161530.2, NM_001379153.1, NM_001379154.1); c.628G>T, p.Gly210Cys (NM_001161532.2); c.946+3377G>T (NM_172246.4); c.647-1443G>T (NM_172249.4); c.947-1443G>T (NM_172247.3, NM_001379168.1, NM_001379167.1 and 1 more transcripts); c.855-1443G>T (NM_001379166.1); c.997G>T, p.Gly333Cys (NM_001379160.1); short protein forms G377C, G210C, G343C, G333C.
Identifiers: ClinVar variation 1500568 (VCV001500568.8), dbSNP rs1186460962, ClinGen allele CA412236929.

ClinVar aggregate classification (germline): Uncertain significance (1 of 4 stars; one submission).

Conditions:
Surfactant metabolism dysfunction, pulmonary, 4 (SMDP4). Also called: PAP DUE TO CSF2RA DEFICIENCY; PULMONARY ALVEOLAR PROTEINOSIS, CONGENITAL, 4; CSF2RA DEFICIENCY. Identifiers: Orphanet 264675, MedGen C2677877, MONDO:0010424, OMIM 300770.

Submission:

Labcorp Genetics (formerly Invitae), Labcorp
Classification: Uncertain significance for Surfactant metabolism dysfunction, pulmonary, 4. Last evaluated: 2021-06-22. Review status: criteria provided, single submitter. Criteria: Invitae Variant Classification Sherloc (09022015). Collection method: clinical testing. Allele origin: germline.
Comment: This variant is not present in population databases (ExAC no frequency). This sequence change replaces glycine with cysteine at codon 343 of the CSF2RA protein (p.Gly343Cys). The glycine residue is moderately conserved and there is a large physicochemical difference between glycine and cysteine. This variant has not been reported in the literature in individuals with CSF2RA-related conditions. In summary, the available evidence is currently insufficient to determine the role of this variant in disease. Therefore, it has been classified as a Variant of Uncertain Significance. Algorithms developed to predict the effect of missense changes on protein structure and function are either unavailable or do not agree on the potential impact of this missense change (SIFT: "Deleterious"; PolyPhen-2: "Probably Damaging"; Align-GVGD: "Class C0").